The following is an entry in ClinVar:

NM_000452.3(SLC10A2):c.990G>A (p.Thr330=)

Gene: SLC10A2 (solute carrier family 10 member 2; minus strand). Cytogenetic location: 13q33.1.
Variant type: single nucleotide variant.
Coding change: c.990G>A on transcript NM_000452.3 (MANE Select); coding-DNA position 990, G replaced by A.
Protein change: p.Thr330=; no amino-acid change (threonine 330 retained).
Molecular consequence: synonymous variant.
Genome position (GRCh38, 1-based): chr13:103,046,190, C>T on the plus strand (G>A on the coding strand, the complement: SLC10A2 is on the minus strand). VCF-style: chr13-103046190-C-T. GRCh37 (hg19) VCF-style: chr13-103698540-C-T.
Other names: c.990G>A (NM_000452.2).
Identifiers: ClinVar variation 2905626 (VCV002905626.6), dbSNP rs148791669, ClinGen allele CA7041958.

ClinVar aggregate classification (germline): Likely benign. Review status: criteria provided, multiple submitters, no conflicts (2 of 4 stars). 3 submissions from 3 submitters: Likely benign (2). 1 of the submissions does not count toward it. Last evaluated 2025-08-27.

Conditions:
SLC10A2-related disorder. Also called: SLC10A2-related condition.

Allele frequency attached by ClinVar (database versions not stated): TOPMed 0.00002; gnomAD 0.00003; gnomAD exomes 0.00004; ExAC 0.00007; 1000 Genomes Project 30x 0.00031; 1000 Genomes Project 0.00040.

Submissions (3):

Labcorp Genetics (formerly Invitae), Labcorp
Classification: Likely benign. Last evaluated: 2025-08-27. Review status: criteria provided, single submitter. Criteria: Invitae Variant Classification Sherloc (09022015). Collection method: clinical testing. Allele origin: germline.

Blueprint Genetics
Classification: Likely benign. Last evaluated: 2022-09-19. Review status: criteria provided, single submitter. Criteria: ACMG Guidelines, 2015. Collection method: clinical testing. Allele origin: germline.

PreventionGenetics, part of Exact Sciences
Classification: Likely benign for SLC10A2-related condition. Last evaluated: 2021-03-29. Review status: no assertion criteria provided. Collection method: clinical testing. Allele origin: germline. Not counted in ClinVar's aggregate classification.
Comment: This variant is classified as likely benign based on ACMG/AMP sequence variant interpretation guidelines (Richards et al. 2015 PMID: 25741868, with internal and published modifications).